The following is an entry in ClinVar:

ClinVar aggregate classification (germline): Uncertain significance (1 of 4 stars; one submission).

gnomAD v4.1: 15 of 1,613,860 alleles (0.00093%); highest among the groups gnomAD compares: South Asian, 0.013%; no homozygotes.

Submission:

Ambry Genetics
Classification: Uncertain significance. Last evaluated: 2025-10-24. Review status: criteria provided, single submitter. Criteria: Ambry Variant Classification Scheme 2023. Collection method: clinical testing. Allele origin: germline.
Comment: The c.339G>C (p.L113F) alteration is located in exon 1 (coding exon 1) of the OR51B6 gene. This alteration results from a G to C substitution at nucleotide position 339, causing the leucine (L) at amino acid position 113 to be replaced by a phenylalanine (F). Based on data from gnomAD, the C allele has an overall frequency of 0.001% (2/251262) total alleles studied. The highest observed frequency was 0.007% (2/30612) of South Asian alleles. Based on insufficient or conflicting evidence, the clinical significance of this alteration remains unclear.

NM_001004750.1(OR51B6):c.339G>C (p.Leu113Phe)

Genes: OR51B5 (olfactory receptor family 51 subfamily B member 5; minus strand), OR51B6 (olfactory receptor family 51 subfamily B member 6; plus strand). Cytogenetic location: 11p15.4.
Variant type: single nucleotide variant.
Coding change: c.339G>C on transcript NM_001004750.1 (MANE Select); coding-DNA position 339, G replaced by C.
Protein change: p.Leu113Phe; replaces leucine 113 with phenylalanine.
Molecular consequence: missense variant. On other transcripts: intron variant (1).
Genome position (GRCh38, 1-based): chr11:5,351,846, G>C. VCF-style: chr11-5351846-G-C. GRCh37 (hg19) VCF-style: chr11-5373076-G-C.
Other names: c.-359-4936C>G (NM_001005567.3); short protein forms L113F.
Identifiers: ClinVar variation 4562255 (VCV004562255.1).